The following is an entry in ClinVar:

ClinVar aggregate classification (germline): Uncertain significance (1 of 4 stars; one submission).

Allele frequency attached by ClinVar (database versions not stated): gnomAD exomes below 0.00001.
gnomAD v4.1: 1 of 1,613,364 alleles (0.000062%); highest among the groups gnomAD compares: Non-Finnish European, 0.000085%; no homozygotes.

Submission:

Labcorp Genetics (formerly Invitae), Labcorp
Classification: Uncertain significance. Last evaluated: 2025-06-02. Review status: criteria provided, single submitter. Criteria: Invitae Variant Classification Sherloc (09022015). Collection method: clinical testing. Allele origin: germline.
Comment: This sequence change replaces serine, which is neutral and polar, with cysteine, which is neutral and slightly polar, at codon 268 of the FAR1 protein (p.Ser268Cys). This variant is not present in population databases (gnomAD no frequency). This variant has not been reported in the literature in individuals affected with FAR1-related conditions. ClinVar contains an entry for this variant (Variation ID: 2061206). Invitae Evidence Modeling of protein sequence and biophysical properties (such as structural, functional, and spatial information, amino acid conservation, physicochemical variation, residue mobility, and thermodynamic stability) indicates that this missense variant is not expected to disrupt FAR1 protein function with a negative predictive value of 80%. In summary, the available evidence is currently insufficient to determine the role of this variant in disease. Therefore, it has been classified as a Variant of Uncertain Significance.

NM_032228.6(FAR1):c.803C>G (p.Ser268Cys)

Gene: FAR1 (fatty acyl-CoA reductase 1; plus strand). Cytogenetic location: 11p15.3.
Variant type: single nucleotide variant.
Coding change: c.803C>G on transcript NM_032228.6 (MANE Select); coding-DNA position 803, C replaced by G.
Protein change: p.Ser268Cys; replaces serine 268 with cysteine.
Molecular consequence: missense variant.
Genome position (GRCh38, 1-based): chr11:13,711,962, C>G. VCF-style: chr11-13711962-C-G. GRCh37 (hg19) VCF-style: chr11-13733509-C-G.
Other names: short protein forms S268C.
Identifiers: ClinVar variation 2061206 (VCV002061206.4), dbSNP rs1848503878, ClinGen allele CA379857745.